The following is an entry in ClinVar:

NM_001365951.3(KIF1B):c.526C>A (p.Pro176Thr)

Gene: KIF1B (kinesin family member 1B; plus strand). Cytogenetic location: 1p36.22.
Variant type: single nucleotide variant.
Coding change: c.526C>A on transcript NM_001365951.3 (MANE Select); coding-DNA position 526, C replaced by A.
Protein change: p.Pro176Thr; replaces proline 176 with threonine.
Molecular consequence: missense variant.
Genome position (GRCh38, 1-based): chr1:10,267,476, C>A. VCF-style: chr1-10267476-C-A. GRCh37 (hg19) VCF-style: chr1-10327534-C-A.
Other names: c.526C>A, p.Pro176Thr (NM_001365952.1, NM_001365953.1, NM_015074.3 and 1 more transcripts); short protein forms P176T.
Identifiers: ClinVar variation 1746488 (VCV001746488.5), dbSNP rs781211572, ClinGen allele CA338329481.

ClinVar aggregate classification (germline): Uncertain significance. Review status: criteria provided, multiple submitters, no conflicts (2 of 4 stars). 2 submissions from 2 submitters: Uncertain significance (2). Last evaluated 2025-09-13.

Conditions:
Neuroblastoma, susceptibility to, 1. Identifiers: MedGen C2749485, MONDO:0009741, OMIM 256700.
Charcot-Marie-Tooth disease type 2A1. Also called: CHARCOT-MARIE-TOOTH DISEASE, AXONAL, TYPE 2A1; CHARCOT-MARIE-TOOTH DISEASE, AXONAL, AUTOSOMAL DOMINANT, TYPE 2A1; CHARCOT-MARIE-TOOTH DISEASE, NEURONAL, TYPE 2A1; CHARCOT-MARIE-TOOTH NEUROPATHY, TYPE 2A1; HEREDITARY MOTOR AND SENSORY NEUROPATHY IIA1. Identifiers: Orphanet 99946, MedGen C1861678, MONDO:0007308, OMIM 118210.

Allele frequency attached by ClinVar (database versions not stated): gnomAD exomes below 0.00001.
gnomAD v4.1: 3 of 1,614,142 alleles (0.00019%); highest among the groups gnomAD compares: Non-Finnish European, 0.00017%; no homozygotes.

Submissions (2):

Ambry Genetics
Classification: Uncertain significance. Last evaluated: 2025-09-13. Review status: criteria provided, single submitter. Criteria: Ambry Variant Classification Scheme 2023. Collection method: clinical testing. Allele origin: germline.
Comment: The p.P176T variant (also known as c.526C>A), located in coding exon 5 of the KIF1B gene, results from a C to A substitution at nucleotide position 526. The proline at codon 176 is replaced by threonine, an amino acid with highly similar properties. This amino acid position is conserved. In addition, this alteration is predicted to be deleterious by in silico analysis. The evidence for this gene-disease relationship is limited; therefore, the clinical significance of this alteration is unclear.

Fulgent Genetics
Classification: Uncertain significance for Charcot-Marie-Tooth disease type 2A1; Neuroblastoma, susceptibility to, 1. Last evaluated: 2024-03-25. Review status: criteria provided, single submitter. Criteria: ACMG Guidelines, 2015. Collection method: clinical testing. Allele origin: germline.